The following is an entry in ClinVar:

NM_016373.4(WWOX):c.1141C>A (p.Arg381Ser)

Genes: MAF (MAF bZIP transcription factor; minus strand), WWOX (WW domain containing oxidoreductase; plus strand). Cytogenetic location: 16q23.2.
Variant type: single nucleotide variant.
Coding change: c.1141C>A on transcript NM_016373.4 (MANE Select); coding-DNA position 1141, C replaced by A.
Protein change: p.Arg381Ser; replaces arginine 381 with serine.
Molecular consequence: missense variant.
Genome position (GRCh38, 1-based): chr16:79,211,692, C>A. VCF-style: chr16-79211692-C-A. GRCh37 (hg19) VCF-style: chr16-79245589-C-A.
Other names: c.802C>A, p.Arg268Ser (NM_001291997.2); short protein forms R268S, R381S.
Identifiers: ClinVar variation 1465480 (VCV001465480.8), dbSNP rs200461412, ClinGen allele CA284131482.

ClinVar aggregate classification (germline): Uncertain significance (1 of 4 stars; one submission).

Conditions:
Autosomal recessive spinocerebellar ataxia 12. Also called: SPINOCEREBELLAR ATAXIA WITH MENTAL RETARDATION AND EPILEPSY. Identifiers: Orphanet 284282, MedGen C3280452, MONDO:0013687, OMIM 614322.
Developmental and epileptic encephalopathy, 1 (DEE1). Also called: INFANTILE SPASM SYNDROME, X-LINKED 1; OHTAHARA SYNDROME, X-LINKED; X-linked infantile spasms; West's syndrome; Tonic spasms with clustering, arrest of psychomotor development and hypsarrhythmia on EEG; X-Linked Infantile Spasm Syndrome. Identifiers: MedGen C3463992, MONDO:0010632, OMIM 308350. Disease mechanism: loss of function.

gnomAD v4.1: 2 of 1,614,218 alleles (0.00012%); highest among the groups gnomAD compares: Non-Finnish European, 0.00017%; no homozygotes.

Submission:

Labcorp Genetics (formerly Invitae), Labcorp
Classification: Uncertain significance for Developmental and epileptic encephalopathy, 1; Autosomal recessive spinocerebellar ataxia 12. Last evaluated: 2022-05-15. Review status: criteria provided, single submitter. Criteria: Invitae Variant Classification Sherloc (09022015). Collection method: clinical testing. Allele origin: germline.
Comment: In summary, the available evidence is currently insufficient to determine the role of this variant in disease. Therefore, it has been classified as a Variant of Uncertain Significance. Algorithms developed to predict the effect of sequence changes on RNA splicing suggest that this variant may create or strengthen a splice site. Algorithms developed to predict the effect of missense changes on protein structure and function are either unavailable or do not agree on the potential impact of this missense change (SIFT: "Not Available"; PolyPhen-2: "Benign"; Align-GVGD: "Not Available"). This variant has not been reported in the literature in individuals affected with WWOX-related conditions. This variant is not present in population databases (gnomAD no frequency). This sequence change replaces arginine, which is basic and polar, with serine, which is neutral and polar, at codon 381 of the WWOX protein (p.Arg381Ser).